The following is an entry in ClinVar:

NM_032188.3(KAT8):c.1312+12dup

Gene: KAT8 (lysine acetyltransferase 8; plus strand). Cytogenetic location: 16p11.2.
Variant type: Duplication.
Coding change: c.1312+12dup on transcript NM_032188.3 (MANE Select); 12 bases into the intron after coding-DNA position 1312, one base duplicated (G; older notation c.1312+12dupG).
Molecular consequence: intron variant. On other transcripts: frameshift variant (1).
Genome position (GRCh38, 1-based): chr16:31,130,912, G duplicated; the last of 6 consecutive G bases (chr16:31,130,907-31,130,912); duplicating any one gives the same sequence. VCF-style (leftmost placement, unchanged base first): chr16-31130906-T-TG. GRCh37 (hg19) VCF-style: chr16-31142227-T-TG.
Other names: c.1324dup, p.Ala442fs (NM_182958.4); c.1312+12dupG (NM_032188.3); short protein forms A442fs.
Identifiers: ClinVar variation 4687218 (VCV004687218.1).

ClinVar aggregate classification (germline): Uncertain significance (1 of 4 stars; one submission).

Submission:

Women's Health and Genetics/Laboratory Corporation of America, LabCorp
Classification: Uncertain significance. Last evaluated: 2025-10-17. Review status: criteria provided, single submitter. Criteria: LabCorp Variant Classification Summary - May 2015. Collection method: clinical testing. Allele origin: germline.
Comment: Variant summary: KAT8 c.1324dupG (p.Ala442GlyfsX17) results in a premature termination codon, predicted to cause a truncation of the encoded protein as nonsense mediated decay is not predicted, however current evidence is not sufficient to establish loss of function as a mechanism for disease. This variant is also annotated as c.1312+12dupG alters a nucleotide located at a position not widely known to affect splicing. Consensus agreement among computation tools predict no significant impact on normal splicing. However, these predictions have yet to be confirmed by functional studies. The variant was absent in 227872 control chromosomes. The available data on variant occurrences in the general population are insufficient to allow any conclusion about variant significance. To our knowledge, no occurrence of this variant in individuals affected with KAT8-related conditions and no experimental evidence demonstrating its impact on protein function have been reported. No submitters have cited clinical-significance assessments for this variant to ClinVar. Based on the evidence outlined above, the variant was classified as uncertain significance.